The following is an entry in ClinVar:

ClinVar aggregate classification (germline): Pathogenic (1 of 4 stars; one submission).

Conditions:
Rare genetic deafness. Identifiers: Orphanet 96210, MedGen C5680250.

Submission:

Laboratory for Molecular Medicine, Mass General Brigham Personalized Medicine
Classification: Pathogenic for Rare genetic deafness. Last evaluated: 2010-10-28. Review status: criteria provided, single submitter. Criteria: LMM Criteria. Collection method: clinical testing. Allele origin: germline. Observed: 1 variant allele.
Comment: The Lys566fs variant in EYA1 has not been reported in the literature nor previou sly identified by our laboratory. The Lys566fs variant is predicted to cause a f rameshift, which removes the last 26 amino acid residues of the protein and repl aces them with 65 different residues. Due to the substantial predicted impact to the protein, this variant meets our criteria to be classified as pathogenic.

NM_000503.6(EYA1):c.1697_1698insT (p.Lys566fs)

Gene: EYA1 (EYA transcriptional coactivator and phosphatase 1; minus strand). Cytogenetic location: 8q13.3.
Variant type: Insertion.
Coding change: c.1697_1698insT on transcript NM_000503.6 (MANE Select); coding-DNA positions 1697 to 1698, T inserted.
Protein change: p.Lys566fs; shifts the reading frame from lysine 566.
Molecular consequence: frameshift variant.
Genome position: GRCh38 VCF-style: chr8-71211156-C-CA. GRCh37 (hg19) VCF-style: chr8-72123391-C-CA.
Other names: c.1679_1680insT, p.Lys560fs (NM_001288574.2, NM_172059.5); c.1331_1332insT, p.Lys444fs (NM_001288575.2); c.1784_1785insT, p.Lys595fs (NM_001370333.1); c.1697_1698insT, p.Lys566fs (NM_001370334.1, NM_001370335.1, NM_172058.4); c.1676_1677insT, p.Lys559fs (NM_001370336.1); short protein forms K444fs, K595fs, K559fs, K560fs, K566fs.
Identifiers: ClinVar variation 48104 (VCV000048104.4), dbSNP rs397517919, ClinGen allele CA262037.